The following is an entry in ClinVar:

ClinVar aggregate classification (germline): Uncertain significance. Review status: criteria provided, multiple submitters, no conflicts (2 of 4 stars). 3 submissions from 3 submitters: Uncertain significance (3). Last evaluated 2024-10-22.

Conditions:
Hearing impairment. Also called: Impaired Hearing. Identifiers: MedGen C1384666, MONDO:0005365, HP:0000365.

Allele frequency attached by ClinVar (database versions not stated): gnomAD exomes 0.00001; ExAC 0.00002; gnomAD 0.00002; TOPMed 0.00002.
gnomAD v4.1: 33 of 1,613,592 alleles (0.002%); highest among the groups gnomAD compares: Middle Eastern, 0.016%; no homozygotes.

Submissions (3):

Labcorp Genetics (formerly Invitae), Labcorp
Classification: Uncertain significance. Last evaluated: 2024-10-22. Review status: criteria provided, single submitter. Criteria: Invitae Variant Classification Sherloc (09022015). Collection method: clinical testing. Allele origin: germline.
Comment: This sequence change replaces leucine, which is neutral and non-polar, with valine, which is neutral and non-polar, at codon 170 of the WHRN protein (p.Leu170Val). This variant is present in population databases (rs748546471, gnomAD 0.002%). This variant has not been reported in the literature in individuals affected with WHRN-related conditions. ClinVar contains an entry for this variant (Variation ID: 1065079). An algorithm developed to predict the effect of missense changes on protein structure and function (PolyPhen-2) suggests that this variant is likely to be disruptive. In summary, the available evidence is currently insufficient to determine the role of this variant in disease. Therefore, it has been classified as a Variant of Uncertain Significance.

Blueprint Genetics
Classification: Uncertain significance. Last evaluated: 2024-01-09. Review status: criteria provided, single submitter. Criteria: ACMG Guidelines, 2015. Collection method: clinical testing. Allele origin: germline.

Department of Otolaryngology – Head & Neck Surgery, Cochlear Implant Center
Classification: Uncertain significance for Hearing impairment. Last evaluated: 2021-04-12. Review status: criteria provided, single submitter. Criteria: ClinGen HL ACMG Specifications v1. Collection method: clinical testing. Allele origin: germline. Affected: yes.
Comment: PM2_Moderate, BP4_Supporting

NM_015404.4(WHRN):c.508C>G (p.Leu170Val)

Gene: WHRN (whirlin; minus strand). Cytogenetic location: 9q32.
Variant type: single nucleotide variant.
Coding change: c.508C>G on transcript NM_015404.4 (MANE Select); coding-DNA position 508, C replaced by G.
Protein change: p.Leu170Val; replaces leucine 170 with valine.
Molecular consequence: missense variant.
Genome position (GRCh38, 1-based): chr9:114,504,294, G>C on the plus strand (C>G on the coding strand, the complement: WHRN is on the minus strand). VCF-style: chr9-114504294-G-C. GRCh37 (hg19) VCF-style: chr9-117266574-G-C.
Other names: c.508C>G, p.Leu170Val (NM_001173425.2); short protein forms L170V.
Identifiers: ClinVar variation 1065079 (VCV001065079.11), dbSNP rs748546471, ClinGen allele CA5206265.
Genomic context (GRCh38, chr9:114,504,294, plus strand): 5'-GCAGAATCTGGTCCCCGACCCGCAGTCCTTCCTTCTCAGCTAGAGAGCCTGGTTCCACCA[G>C]AGACACGTAGATGCCCACGCCGTGCTCCGAGCCCCCACGGATGCTGAAGCCCAAGCCCTC-3'
Protein context (NP_056219.3, residues 160-180): SEHGVGIYVS[Leu170Val]VEPGSLAEKE